The following is an entry in ClinVar:

ClinVar aggregate classification (germline): Uncertain significance (1 of 4 stars; one submission).

Conditions:
Mucopolysaccharidosis, MPS-III-A (MPS3A). Also called: HEPARAN SULFATE SULFATASE DEFICIENCY; SANFILIPPO SYNDROME A; SULFAMIDASE DEFICIENCY; MPS III A; MPS IIIA (Sanfilippo Syndrome Type A); Mucopolysaccharidosis type IIIA (Sanfilippo A). Identifiers: Orphanet 581, Orphanet 79269, MedGen C0086647, MONDO:0009655, OMIM 252900.

Allele frequency attached by ClinVar (database versions not stated): TOPMed 0.00001; gnomAD 0.00001.
gnomAD v4.1: 2 of 1,613,958 alleles (0.00012%); highest among the groups gnomAD compares: African/African-American, 0.0027%; no homozygotes.

Submission:

Labcorp Genetics (formerly Invitae), Labcorp
Classification: Uncertain significance for Mucopolysaccharidosis, MPS-III-A. Last evaluated: 2022-03-19. Review status: criteria provided, single submitter. Criteria: Invitae Variant Classification Sherloc (09022015). Collection method: clinical testing. Allele origin: germline.
Comment: This sequence change replaces histidine, which is basic and polar, with asparagine, which is neutral and polar, at codon 383 of the SGSH protein (p.His383Asn). This variant is not present in population databases (gnomAD no frequency). This variant has not been reported in the literature in individuals affected with SGSH-related conditions. Algorithms developed to predict the effect of missense changes on protein structure and function output the following: SIFT: "Tolerated"; PolyPhen-2: "Benign"; Align-GVGD: "Class C0". The asparagine amino acid residue is found in multiple mammalian species, which suggests that this missense change does not adversely affect protein function. In summary, the available evidence is currently insufficient to determine the role of this variant in disease. Therefore, it has been classified as a Variant of Uncertain Significance.

NM_000199.5(SGSH):c.1147C>A (p.His383Asn)

Gene: SGSH (N-sulfoglucosamine sulfohydrolase; minus strand). Cytogenetic location: 17q25.3.
Variant type: single nucleotide variant.
Coding change: c.1147C>A on transcript NM_000199.5 (MANE Select); coding-DNA position 1147, C replaced by A.
Protein change: p.His383Asn; replaces histidine 383 with asparagine.
Molecular consequence: missense variant. On other transcripts: 3 prime UTR variant (2), non-coding transcript variant (1).
Genome position (GRCh38, 1-based): chr17:80,210,814, G>T on the plus strand (C>A on the coding strand, the complement: SGSH is on the minus strand). VCF-style: chr17-80210814-G-T. GRCh37 (hg19) VCF-style: chr17-78184613-G-T.
Other names: c.*234C>A (NM_001352921.3); c.*197C>A (NM_001352922.2); short protein forms H383N.
Identifiers: ClinVar variation 1518641 (VCV001518641.5), dbSNP rs922205597, ClinGen allele CA294890808.